The following is an entry in ClinVar:

NM_194248.3(OTOF):c.3288+8T>C

Gene: OTOF (otoferlin; minus strand). Cytogenetic location: 2p23.3.
Variant type: single nucleotide variant.
Coding change: c.3288+8T>C on transcript NM_194248.3 (MANE Select); 8 bases into the intron after coding-DNA position 3288, T replaced by C.
Molecular consequence: intron variant.
Genome position (GRCh38, 1-based): chr2:26,474,505, A>G on the plus strand (T>C on the coding strand, the complement: OTOF is on the minus strand). VCF-style: chr2-26474505-A-G. GRCh37 (hg19) VCF-style: chr2-26697373-A-G.
Other names: c.3288+8T>C (NM_001287489.2); c.1047+8T>C (NM_194323.3, NM_004802.4); c.1218+8T>C (NM_194322.3).
Identifiers: ClinVar variation 227754 (VCV000227754.5), dbSNP rs876657549, ClinGen allele CA10576593.

ClinVar aggregate classification (germline): Likely benign (1 of 4 stars; one submission).

Allele frequency attached by ClinVar (database versions not stated): TOPMed below 0.00001.

Submission:

Laboratory for Molecular Medicine, Mass General Brigham Personalized Medicine
Classification: Likely benign. Last evaluated: 2015-05-21. Review status: criteria provided, single submitter. Criteria: LMM Criteria. Collection method: clinical testing. Allele origin: germline. Observed: 1 variant allele.
Comment: c.3288+8T>C in intron 26 of OTOF: This variant is not expected to have clinical significance because it is not located within the splice consensus sequence and computational tools do not predict an impact to splicing.